The following is an entry in ClinVar:

ClinVar aggregate classification (germline): Uncertain significance (1 of 4 stars; one submission).

Conditions:
Mitochondrial DNA depletion syndrome 13. Also called: FBXL4-Related Encephalomyopathic Mitochondrial DNA Depletion Syndrome; Mitochondrial DNA depletion syndrome 13 (encephalomyopathic type). Identifiers: Orphanet 369897, MedGen C3809592, MONDO:0014198, OMIM 615471.

Allele frequency attached by ClinVar (database versions not stated): gnomAD exomes below 0.00001; ExAC 0.00001.

Submission:

Wong Mito Lab, Molecular and Human Genetics, Baylor College of Medicine
Classification: Uncertain significance for Mitochondrial DNA depletion syndrome 13. Last evaluated: 2017-08-10. Review status: criteria provided, single submitter. Criteria: ACMG Guidelines, 2015. Collection method: reference population. Allele origin: germline.
Comment: The NM_012160.4:c.1071T>G (NP_036292.2:p.Asn357Lys) [GRCH38: NC_000006.12:g.98905458A>C] variant in FBXL4 gene is interpretated to be a Uncertain Significance - Conflicting Evidence based on ACMG guidelines (PMID: 25741868). This variant meets one or more of the following evidence codes reported in the ACMG-guideline. PM2:This variant is absent in key population databases. BP4:Computational evidence/predictors indicate no impact on the FBXL4 structure, function, or protein-protein interaction. Based on this evidence code ClinGen Pathogenicity Calculator (PMID:28081714) suggested that the variant is Uncertain Significance - Conflicting Evidence.

NM_001278716.2(FBXL4):c.1071T>G (p.Asn357Lys)

Gene: FBXL4 (F-box and leucine rich repeat protein 4; minus strand). Cytogenetic location: 6q16.2.
Variant type: single nucleotide variant.
Coding change: c.1071T>G on transcript NM_001278716.2 (MANE Select); coding-DNA position 1071, T replaced by G.
Protein change: p.Asn357Lys; replaces asparagine 357 with lysine.
Molecular consequence: missense variant. On other transcripts: non-coding transcript variant (2).
Genome position (GRCh38, 1-based): chr6:98,905,458, A>C on the plus strand (T>G on the coding strand, the complement: FBXL4 is on the minus strand). VCF-style: chr6-98905458-A-C. GRCh37 (hg19) VCF-style: chr6-99353334-A-C.
Other names: c.1071T>G, p.Asn357Lys (NM_012160.5); short protein forms N357K.
Identifiers: ClinVar variation 437683 (VCV000437683.1), dbSNP rs761676733, ClinGen allele CA3933554.
Genomic context (GRCh38, chr6:98,905,458, plus strand): 5'-AAAAACTTCATCAAGGCTTTGTACTAACCTGCTAAATCCTGCAACAGAGATGAAGCCTCT[A>C]TTGCCAGTCCAAGATAAATTAAGCCACTGGACAAGAGTGCAGCGAGACTGTAGAAATTCC-3'
Protein context (NP_001265645.1, residues 347-367): VQWLNLSWTG[Asn357Lys]RGFISVAGFS